The following is an entry in ClinVar:

NM_000540.3(RYR1):c.7708G>C (p.Ala2570Pro)

Gene: RYR1 (ryanodine receptor 1; plus strand). Cytogenetic location: 19q13.2.
Variant type: single nucleotide variant.
Coding change: c.7708G>C on transcript NM_000540.3 (MANE Select); coding-DNA position 7708, G replaced by C.
Protein change: p.Ala2570Pro; replaces alanine 2570 with proline.
Molecular consequence: missense variant.
Genome position (GRCh38, 1-based): chr19:38,502,600, G>C. VCF-style: chr19-38502600-G-C. GRCh37 (hg19) VCF-style: chr19-38993240-G-C.
Other names: c.7708G>C, p.Ala2570Pro (NM_001042723.2); short protein forms A2570P.
Identifiers: ClinVar variation 3074842 (VCV003074842.1), dbSNP rs1433572435, ClinGen allele CA405671722.

ClinVar aggregate classification (germline): Uncertain significance (1 of 4 stars; one submission).

Conditions:
Malignant hyperthermia, susceptibility to, 1 (MHS1). Also called: Anesthesia related hyperthermia; Malignant hyperpyrexia; Fulminating hyperpyrexia; Pharmacogenic myopathy; RYR1-Related Malignant Hyperthermia Susceptibility; Malignant hyperthermia suceptibility 1. Identifiers: Orphanet 423, MedGen C2930980, MONDO:0007783, OMIM 145600.

Submission:

All of Us Research Program, National Institutes of Health
Classification: Uncertain significance for Malignant hyperthermia, susceptibility to, 1. Last evaluated: 2023-12-13. Review status: criteria provided, single submitter. Criteria: ACMG Guidelines, 2015. Collection method: clinical testing. Allele origin: germline. Inheritance: Autosomal dominant inheritance. Observed: 1 variant allele, 1 heterozygote.
Comment: This missense variant replaces alanine with proline at codon 2570 of the RYR1 protein. Computational prediction suggests that this variant may have deleterious impact on protein structure and function (internally defined REVEL score threshold >= 0.7, PMID: 27666373). To our knowledge, functional studies have not been reported for this variant. This variant has not been reported in individuals affected with RYR1-related disorders in the literature. This variant has not been identified in the general population by the Genome Aggregation Database (gnomAD). The available evidence is insufficient to determine the role of this variant in disease conclusively. Therefore, this variant is classified as a Variant of Uncertain Significance.

This study involves interpretation of variants in research participants for the purpose of population health screening. Participant phenotype was not available at the time of variant classification. Additional details can be found in publication PMID: 35346344, PMCID: PMC8962531